The following is an entry in ClinVar:

NM_000146.4(FTL):c.-160A>G

Gene: FTL (ferritin light chain; plus strand). Cytogenetic location: 19q13.33.
Variant type: single nucleotide variant.
Coding change: c.-160A>G on transcript NM_000146.4 (MANE Select); 160 bases upstream of the start codon, A replaced by G.
Molecular consequence: 5 prime UTR variant.
Genome position (GRCh38, 1-based): chr19:48,965,348, A>G. VCF-style: chr19-48965348-A-G. GRCh37 (hg19) VCF-style: chr19-49468605-A-G.
Other names: -160A-G.
Identifiers: ClinVar variation 16474 (VCV000016474.43), dbSNP rs398124633, ClinGen allele CA126550.
Genomic context (GRCh38, chr19:48,965,348, plus strand): 5'-CCGCCCTAGCCACGTCCCCTCGCAGTTCGGCGGTCCCGCGGGTCTGTCTCTTGCTTCAAC[A>G]GTGTTTGGACGGAACAGATCCGGGGACTCTCTTCCAGCCTCCGACCGCCCTCCGATTTCC-3'

ClinVar aggregate classification (germline): Pathogenic. Review status: criteria provided, multiple submitters, no conflicts (2 of 4 stars). 6 submissions from 6 submitters: Pathogenic (5). 1 of the submissions does not count toward it. Last evaluated 2025-12-01.

Conditions:
FTL-related disorder. Also called: FTL-related condition.
FTL-related disorders.
Neuroferritinopathy (NBIA3). Also called: NEURODEGENERATION WITH BRAIN IRON ACCUMULATION 3; BASAL GANGLIA DISEASE, ADULT-ONSET. Identifiers: Orphanet 157846, MedGen C1853578, MONDO:0011638, OMIM 606159.
Hereditary hyperferritinemia with congenital cataracts. Also called: Hereditary hyperferritinemia cataract syndrome; Bonneau-Beaumont syndrome; HYPERFERRITINEMIA WITH OR WITHOUT CATARACT. Identifiers: Orphanet 163, MedGen C1833213, MONDO:0010952, OMIM 600886.

Submissions (6):

Labcorp Genetics (formerly Invitae), Labcorp
Classification: Pathogenic for Neuroferritinopathy; Hereditary hyperferritinemia with congenital cataracts. Last evaluated: 2025-12-01. Review status: criteria provided, single submitter. Criteria: Invitae Variant Classification Sherloc (09022015). Collection method: clinical testing. Allele origin: germline.
Comment: This variant occurs in a non-coding region of the FTL gene. It does not change the encoded amino acid sequence of the FTL protein. This variant is not present in population databases (gnomAD no frequency). This variant has been observed in individuals with hereditary hyperferritinemia and cataract syndrome (PMID: 7493028, 11703332, 14662596, 24766965, 30401656). It has also been observed to segregate with disease in related individuals. This variant is also known as A40G. ClinVar contains an entry for this variant (Variation ID: 16474). Algorithms developed to predict the effect of variants on gene product structure and function are not available or were not evaluated for this variant. Experimental studies have shown that this variant affects FTL function (PMID: 7493028). For these reasons, this variant has been classified as Pathogenic.

Center for Genomic Medicine, Rigshospitalet, Copenhagen University Hospital
Classification: Pathogenic. Last evaluated: 2025-03-04. Review status: criteria provided, single submitter. Criteria: ACMG Guidelines, 2015. Collection method: clinical testing. Allele origin: germline.

PreventionGenetics, part of Exact Sciences
Classification: Pathogenic for FTL-related condition. Last evaluated: 2025-02-11. Review status: criteria provided, single submitter. Criteria: ACMG Guidelines, 2015. Collection method: clinical testing. Allele origin: germline.
Comment: The FTL c.-160A>G variant is located in the 5' untranslated region. The c.-160A>G variant, also referred to as Paris 40 and A40G, has been reported to be causative for autosomal dominant hereditary hyperferritinemia cataract syndrome (Beaumont. 1995. PubMed ID: 7493028; Craig et al. 2003. PubMed ID: 14662596; Bowes et al 2014. PubMed ID: 24766965). This variant is found within the iron response element (IRE) in the FTL 5’ non-coding region and impairs the binding of the iron regulatory proteins (Cao. 2010. PubMed ID: 19800271). This variant has not been reported in a large population database (gnomAD), indicating this variant is rare. This variant is interpreted as pathogenic.

CeGaT Center for Human Genetics Tuebingen
Classification: Pathogenic. Last evaluated: 2023-04-01. Review status: criteria provided, single submitter. Criteria: CeGaT Center For Human Genetics Tuebingen Variant Classification Criteria Version 2. Collection method: clinical testing. Allele origin: germline. Affected: yes. Observed: 2 variant alleles.
Comment: FTL: PP1:Strong, PM2, PP4:Moderate, PS3:Moderate, PS4:Moderate

Blueprint Genetics
Classification: Pathogenic for FTL-related disorders. Last evaluated: 2022-07-19. Review status: criteria provided, single submitter. Criteria: ACMG Guidelines, 2015. Collection method: clinical testing. Allele origin: germline. Affected: yes. Observed: 1 variant allele.

OMIM
Classification: Pathogenic for HYPERFERRITINEMIA WITH OR WITHOUT CATARACT. Last evaluated: 2013-02-19. Review status: no assertion criteria provided. Collection method: literature only. Allele origin: germline. Not counted in ClinVar's aggregate classification.

Literature cited by the submitters: PubMed 7493028 (cited by 3 submitters); PubMed 11703332 (cited by Labcorp Genetics (formerly Invitae), Labcorp); PubMed 14662596 (cited by Labcorp Genetics (formerly Invitae), Labcorp); PubMed 24766965 (cited by Labcorp Genetics (formerly Invitae), Labcorp); PubMed 30401656 (cited by Labcorp Genetics (formerly Invitae), Labcorp); PubMed 19800271 (cited by Center for Genomic Medicine, Rigshospitalet, Copenhagen University Hospital); PubMed 23421845 (cited by OMIM); PubMed 8781450 (cited by OMIM); PubMed 12199804 (cited by OMIM).